The following is an entry in ClinVar:

ClinVar aggregate classification (germline): Likely benign (1 of 4 stars; one submission).

Submission:

CeGaT Center for Human Genetics Tuebingen
Classification: Likely benign. Last evaluated: 2025-12-01. Review status: criteria provided, single submitter. Criteria: CeGaT Center For Human Genetics Tuebingen Variant Classification Criteria Version 2. Collection method: clinical testing. Allele origin: germline. Affected: yes. Observed: 1 variant allele.
Comment: FLNA: BS2

NM_001110556.2(FLNA):c.4474+59G>A

Gene: FLNA (filamin A; minus strand). Cytogenetic location: Xq28.
Variant type: single nucleotide variant.
Coding change: c.4474+59G>A on transcript NM_001110556.2 (MANE Select); 59 bases into the intron after coding-DNA position 4474, G replaced by A.
Molecular consequence: intron variant.
Genome position (GRCh38, 1-based): chrX:154,358,925, C>T on the plus strand (G>A on the coding strand, the complement: FLNA is on the minus strand). VCF-style: chrX-154358925-C-T. GRCh37 (hg19) VCF-style: chrX-153587293-C-T.
Other names: c.4474+59G>A (NM_001456.4).
Identifiers: ClinVar variation 4681655 (VCV004681655.5).